The following is an entry in ClinVar:

ClinVar aggregate classification (germline): Likely benign (1 of 4 stars; one submission).

Conditions:
PLEC-related disorder. Also called: PLEC-related disorders; PLEC-related condition.

Submission:

PreventionGenetics, part of Exact Sciences
Classification: Likely benign for PLEC-related condition. Last evaluated: 2026-02-17. Review status: criteria provided, single submitter. Criteria: ACMG Guidelines, 2015. Collection method: clinical testing. Allele origin: germline.
Comment: This variant is classified as likely benign based on ACMG/AMP sequence variant interpretation guidelines (Richards et al. 2015 PMID: 25741868, with internal and published modifications).

NM_201384.3(PLEC):c.4314G>T (p.Arg1438=)

Gene: PLEC (plectin; minus strand). Cytogenetic location: 8q24.3.
Variant type: single nucleotide variant.
Coding change: c.4314G>T on transcript NM_201384.3 (MANE Select); coding-DNA position 4314, G replaced by T.
Protein change: p.Arg1438=; no amino-acid change (arginine 1438 retained).
Molecular consequence: synonymous variant. On other transcripts: intron variant (1).
Genome position (GRCh38, 1-based): chr8:143,925,615, C>A on the plus strand (G>T on the coding strand, the complement: PLEC is on the minus strand). VCF-style: chr8-143925615-C-A. GRCh37 (hg19) VCF-style: chr8-144999783-C-A.
Other names: c.4395G>T, p.Arg1465= (NM_000445.5); c.4272G>T, p.Arg1424= (NM_201378.4); c.4248G>T, p.Arg1416= (NM_201379.3); c.4725G>T, p.Arg1575= (NM_201380.4); c.4218G>T, p.Arg1406= (NM_201381.3); c.4314G>T, p.Arg1438= (NM_201382.4); c.4326G>T, p.Arg1442= (NM_201383.3); c.4125+1169G>T (NM_001410941.1).
Identifiers: ClinVar variation 4991386 (VCV004991386.1).